The following is an entry in ClinVar:

NM_000165.5(GJA1):c.832C>T (p.Leu278Phe)

Gene: GJA1 (gap junction protein alpha 1; plus strand). Cytogenetic location: 6q22.31.
Variant type: single nucleotide variant.
Coding change: c.832C>T on transcript NM_000165.5 (MANE Select); coding-DNA position 832, C replaced by T.
Protein change: p.Leu278Phe; replaces leucine 278 with phenylalanine.
Molecular consequence: missense variant.
Genome position (GRCh38, 1-based): chr6:121,447,679, C>T. VCF-style: chr6-121447679-C-T. GRCh37 (hg19) VCF-style: chr6-121768825-C-T.
Other names: c.832C>T (NM_000165.3); short protein forms L278F.
Identifiers: ClinVar variation 1992927 (VCV001992927.5), dbSNP rs1253120600, ClinGen allele CA365559873.
Genomic context (GRCh38, chr6:121,447,679, plus strand): 5'-AAAGACTGTGGGTCTCAAAAATATGCTTATTTCAATGGCTGCTCCTCACCAACCGCTCCC[C>T]TCTCGCCTATGTCTCCTCCTGGGTACAAGCTGGTTACTGGCGACAGAAACAATTCTTCTT-3'
Protein context (NP_000156.1, residues 268-288): FNGCSSPTAP[Leu278Phe]SPMSPPGYKL

ClinVar aggregate classification (germline): Uncertain significance. Review status: criteria provided, multiple submitters, no conflicts (2 of 4 stars). 2 submissions from 2 submitters: Uncertain significance (2). Last evaluated 2024-02-17.

Conditions:
Oculodentodigital dysplasia, autosomal recessive. Also called: OCULODENTOOSSEOUS DYSPLASIA, AUTOSOMAL RECESSIVE; ODDD, AUTOSOMAL RECESSIVE; ODOD, AUTOSOMAL RECESSIVE. Identifiers: Orphanet 2710, MedGen C2749477, MONDO:0009768, OMIM 257850.
Inborn genetic diseases. Identifiers: MedGen C0950123, MeSH D030342.

Allele frequency attached by ClinVar (database versions not stated): gnomAD exomes below 0.00001.
gnomAD v4.1: 7 of 1,614,100 alleles (0.00043%); highest among the groups gnomAD compares: Non-Finnish European, 0.00059%; no homozygotes.

Submissions (2):

Labcorp Genetics (formerly Invitae), Labcorp
Classification: Uncertain significance for Oculodentodigital dysplasia, autosomal recessive. Last evaluated: 2024-02-17. Review status: criteria provided, single submitter. Criteria: Invitae Variant Classification Sherloc (09022015). Collection method: clinical testing. Allele origin: germline.
Comment: This sequence change replaces leucine, which is neutral and non-polar, with phenylalanine, which is neutral and non-polar, at codon 278 of the GJA1 protein (p.Leu278Phe). This variant is present in population databases (no rsID available, gnomAD 0.003%). This variant has not been reported in the literature in individuals affected with GJA1-related conditions. ClinVar contains an entry for this variant (Variation ID: 1992927). Advanced modeling of protein sequence and biophysical properties (such as structural, functional, and spatial information, amino acid conservation, physicochemical variation, residue mobility, and thermodynamic stability) performed at Invitae indicates that this missense variant is not expected to disrupt GJA1 protein function with a negative predictive value of 80%. In summary, the available evidence is currently insufficient to determine the role of this variant in disease. Therefore, it has been classified as a Variant of Uncertain Significance.

Ambry Genetics
Classification: Uncertain significance for Inborn genetic diseases. Last evaluated: 2023-09-20. Review status: criteria provided, single submitter. Criteria: Ambry Variant Classification Scheme 2023. Collection method: clinical testing. Allele origin: germline.